The following is an entry in ClinVar:

ClinVar aggregate classification (germline): Uncertain significance (1 of 4 stars; one submission).

Conditions:
Idiopathic generalized epilepsy. Also called: Generalised epilepsy; EIG. Identifiers: MedGen C0270850, MONDO:0005579, OMIM 600669.
Hyperaldosteronism, familial, type IV (HALD4). Also called: FH IV; ALDOSTERONISM, PRIMARY, AND HYPERTENSION. Identifiers: Orphanet 642671, MedGen C4310756, MONDO:0014875, OMIM 617027.

Allele frequency attached by ClinVar (database versions not stated): TOPMed below 0.00001; gnomAD 0.00001.
gnomAD v4.1: 8 of 1,456,876 alleles (0.00055%); highest among the groups gnomAD compares: South Asian, 0.0078%; no homozygotes.

Submission:

Labcorp Genetics (formerly Invitae), Labcorp
Classification: Uncertain significance for Idiopathic generalized epilepsy; Hyperaldosteronism, familial, type IV. Last evaluated: 2023-08-30. Review status: criteria provided, single submitter. Criteria: Invitae Variant Classification Sherloc (09022015). Collection method: clinical testing. Allele origin: germline.
Comment: This sequence change replaces aspartic acid, which is acidic and polar, with asparagine, which is neutral and polar, at codon 65 of the CACNA1H protein (p.Asp65Asn). This variant is not present in population databases (gnomAD no frequency). This variant has not been reported in the literature in individuals affected with CACNA1H-related conditions. ClinVar contains an entry for this variant (Variation ID: 665417). In summary, the available evidence is currently insufficient to determine the role of this variant in disease. Therefore, it has been classified as a Variant of Uncertain Significance. Advanced modeling of protein sequence and biophysical properties (such as structural, functional, and spatial information, amino acid conservation, physicochemical variation, residue mobility, and thermodynamic stability) performed at Invitae indicates that this missense variant is not expected to disrupt CACNA1H protein function.

NM_021098.3(CACNA1H):c.193G>A (p.Asp65Asn)

Gene: CACNA1H (calcium voltage-gated channel subunit alpha1 H; plus strand). Cytogenetic location: 16p13.3.
Variant type: single nucleotide variant.
Coding change: c.193G>A on transcript NM_021098.3 (MANE Select); coding-DNA position 193, G replaced by A.
Protein change: p.Asp65Asn; replaces aspartic acid 65 with asparagine.
Molecular consequence: missense variant.
Genome position (GRCh38, 1-based): chr16:1,153,930, G>A. VCF-style: chr16-1153930-G-A. GRCh37 (hg19) VCF-style: chr16-1203930-G-A.
Other names: c.193G>A, p.Asp65Asn (NM_001005407.2); short protein forms D65N.
Identifiers: ClinVar variation 665417 (VCV000665417.10), dbSNP rs1596270983, ClinGen allele CA394145814.